The following is an entry in ClinVar:

ClinVar aggregate classification (germline): Uncertain significance (1 of 4 stars; one submission).

Conditions:
Cardiovascular phenotype. Identifiers: MedGen CN230736.

Submission:

Ambry Genetics
Classification: Uncertain significance for Cardiovascular phenotype. Last evaluated: 2021-05-08. Review status: criteria provided, single submitter. Criteria: Ambry Variant Classification Scheme 2023. Collection method: clinical testing. Allele origin: germline.
Comment: The p.V2872G variant (also known as c.8615T>G), located in coding exon 59 of the RYR2 gene, results from a T to G substitution at nucleotide position 8615. The valine at codon 2872 is replaced by glycine, an amino acid with dissimilar properties. This amino acid position is highly conserved in available vertebrate species. In addition, this alteration is predicted to be deleterious by in silico analysis. Since supporting evidence is limited at this time, the clinical significance of this alteration remains unclear.

NM_001035.3(RYR2):c.8615T>G (p.Val2872Gly)

Gene: RYR2 (ryanodine receptor 2; plus strand). Cytogenetic location: 1q43.
Variant type: single nucleotide variant.
Coding change: c.8615T>G on transcript NM_001035.3 (MANE Select); coding-DNA position 8615, T replaced by G.
Protein change: p.Val2872Gly; replaces valine 2872 with glycine.
Molecular consequence: missense variant.
Genome position (GRCh38, 1-based): chr1:237,674,120, T>G. VCF-style: chr1-237674120-T-G. GRCh37 (hg19) VCF-style: chr1-237837420-T-G.
Other names: short protein forms V2872G.
Identifiers: ClinVar variation 1764045 (VCV001764045.2), dbSNP rs2547213006, ClinGen allele CA345402956.